The following is an entry in ClinVar:

ClinVar aggregate classification (germline): Uncertain significance (1 of 4 stars; one submission).

Conditions:
Familial hypercholesterolemia. Also called: Familial hypercholesterolaemia. Identifiers: MedGen C0020445, MONDO:0005439.

Submission:

Color Diagnostics, LLC DBA Color Health
Classification: Uncertain significance for Familial hypercholesterolemia. Last evaluated: 2023-12-04. Review status: criteria provided, single submitter. Criteria: ACMG Guidelines, 2015. Collection method: clinical testing. Allele origin: germline.
Comment: This missense variant replaces methionine with threonine at codon 247 of the PCSK9 protein. Computational prediction tools and conservation analyses are inconclusive regarding the impact of this variant on the protein function. Computational splicing tools suggest that this variant may not impact RNA splicing. To our knowledge, functional assays have not been performed for this variant nor has this variant been reported in individuals affected with familial hypercholesterolemia in the literature. This variant has been identified in 1/248784 chromosomes in the general population by the Genome Aggregation Database (gnomAD). Available evidence is insufficient to determine the role of this variant in disease conclusively. Therefore, this variant is classified as a Variant of Uncertain Significance.

NM_174936.4(PCSK9):c.740T>C (p.Met247Thr)

Gene: PCSK9 (proprotein convertase subtilisin/kexin type 9; plus strand). Cytogenetic location: 1p32.3.
Variant type: single nucleotide variant.
Coding change: c.740T>C on transcript NM_174936.4 (MANE Select); coding-DNA position 740, T replaced by C.
Protein change: p.Met247Thr; replaces methionine 247 with threonine.
Molecular consequence: missense variant. On other transcripts: non-coding transcript variant (8).
Genome position (GRCh38, 1-based): chr1:55,052,732, T>C. VCF-style: chr1-55052732-T-C. GRCh37 (hg19) VCF-style: chr1-55518405-T-C.
Other names: c.863T>C, p.Met288Thr (NM_001407240.1); c.740T>C, p.Met247Thr (NM_001407241.1, NM_001407244.1, NM_001407247.1); c.743T>C, p.Met248Thr (NM_001407242.1); c.683T>C, p.Met228Thr (NM_001407243.1); c.548T>C, p.Met183Thr (NM_001407245.1); c.365T>C, p.Met122Thr (NM_001407246.1); short protein forms M122T, M183T, M228T, M247T, M248T, M288T.
Identifiers: ClinVar variation 4758721 (VCV004758721.1).